The following is an entry in ClinVar:

NM_080732.4(EGLN2):c.107T>C (p.Val36Ala)

Genes: EGLN2 (egl-9 family hypoxia inducible factor 2; plus strand), RAB4B-EGLN2 (RAB4B-EGLN2 readthrough (NMD candidate); plus strand). Cytogenetic location: 19q13.2.
Variant type: single nucleotide variant.
Coding change: c.107T>C on transcript NM_080732.4 (MANE Select); coding-DNA position 107, T replaced by C.
Protein change: p.Val36Ala; replaces valine 36 with alanine.
Molecular consequence: missense variant. On other transcripts: non-coding transcript variant (1).
Genome position (GRCh38, 1-based): chr19:40,800,679, T>C. VCF-style: chr19-40800679-T-C. GRCh37 (hg19) VCF-style: chr19-41306584-T-C.
Other names: c.107T>C, p.Val36Ala (NM_053046.4); short protein forms V36A.
Identifiers: ClinVar variation 1786130 (VCV001786130.3), dbSNP rs2515992771, ClinGen allele CA405954575.
Genomic context (GRCh38, chr19:40,800,679, plus strand): 5'-AGTTACCAGGGTCTTCGTCAGAGCCCTTGGAGCCTGAGCCTGGCCGGGCCAGGATGGGAG[T>C]GGAGAGTTACCTGCCCTGTCCCCTGCTCCCCTCCTACCACTGTCCAGGAGTGCCTAGTGA-3'
Protein context (NP_542770.2, residues 26-46): EPEPGRARMG[Val36Ala]ESYLPCPLLP

ClinVar aggregate classification (germline): Uncertain significance (1 of 4 stars; one submission).

Submission:

Ambry Genetics
Classification: Uncertain significance. Last evaluated: 2024-10-02. Review status: criteria provided, single submitter. Criteria: Ambry Variant Classification Scheme 2023. Collection method: clinical testing. Allele origin: germline.
Comment: The p.V36A variant (also known as c.107T>C), located in coding exon 1 of the EGLN2 gene, results from a T to C substitution at nucleotide position 107. The valine at codon 36 is replaced by alanine, an amino acid with similar properties. This amino acid position is conserved. In addition, this alteration is predicted to be tolerated by in silico analysis. Since supporting evidence is limited at this time, the clinical significance of this alteration remains unclear.